The following is an entry in ClinVar:

ClinVar aggregate classification (germline): Uncertain significance (1 of 4 stars; one submission).

Conditions:
CEP290-related disorder. Also called: CEP290-related disorders; CEP290-related condition. Identifiers: MedGen CN239314.

Submission:

PreventionGenetics, part of Exact Sciences
Classification: Uncertain significance for CEP290-related condition. Last evaluated: 2024-12-02. Review status: criteria provided, single submitter. Criteria: ACMG Guidelines, 2015. Collection method: clinical testing. Allele origin: germline.
Comment: The CEP290 c.629A>G variant is predicted to result in the amino acid substitution p.Lys210Arg. To our knowledge, this variant has not been reported in the literature or in a large population database (gnomAD), indicating this variant is rare. At this time, the clinical significance of this variant is uncertain due to the absence of conclusive functional and genetic evidence.

NM_025114.4(CEP290):c.629A>G (p.Lys210Arg)

Gene: CEP290 (centrosomal protein 290; minus strand). Cytogenetic location: 12q21.32.
Variant type: single nucleotide variant.
Coding change: c.629A>G on transcript NM_025114.4 (MANE Select); coding-DNA position 629, A replaced by G.
Protein change: p.Lys210Arg; replaces lysine 210 with arginine.
Molecular consequence: missense variant.
Genome position (GRCh38, 1-based): chr12:88,130,308, T>C on the plus strand (A>G on the coding strand, the complement: CEP290 is on the minus strand). VCF-style: chr12-88130308-T-C. GRCh37 (hg19) VCF-style: chr12-88524085-T-C.
Other names: short protein forms K210R.
Identifiers: ClinVar variation 4998356 (VCV004998356.1).
Genomic context (GRCh38, chr12:88,130,308, plus strand): 5'-TTGACTTCTAGCCATTTTACCTGAATTTCATCAAGATATTGGATAAGCTCATAGTTTTTT[T>C]TAGACAACTGTGATCGGTAGTCACTGTCTTCCCCTCTTCTTGATAAAAGTGTTTCTTTCT-3'
Protein context (NP_079390.3, residues 200-220): EDSDYRSQLS[Lys210Arg]KNYELIQYLD